The following is an entry in ClinVar:

ClinVar aggregate classification (germline): Pathogenic (1 of 4 stars; one submission).

Allele frequency attached by ClinVar (database versions not stated): TOPMed 0.00001.
gnomAD v4.1: 1 of 1,568,498 alleles (0.000064%); no homozygotes.

Submission:

Labcorp Genetics (formerly Invitae), Labcorp
Classification: Pathogenic. Last evaluated: 2023-10-17. Review status: criteria provided, single submitter. Criteria: Invitae Variant Classification Sherloc (09022015). Collection method: clinical testing. Allele origin: germline.
Comment: This sequence change creates a premature translational stop signal (p.Gln464*) in the KIZ gene. It is expected to result in an absent or disrupted protein product. Loss-of-function variants in KIZ are known to be pathogenic (PMID: 24680887, 29057815). This variant is not present in population databases (gnomAD no frequency). This variant has not been reported in the literature in individuals affected with KIZ-related conditions. Algorithms developed to predict the effect of sequence changes on RNA splicing suggest that this variant may disrupt the consensus splice site. For these reasons, this variant has been classified as Pathogenic.

Literature cited by the submitters: PubMed 24680887; PubMed 29057815.

NM_018474.6(KIZ):c.1390C>T (p.Gln464Ter)

Genes: KIZ (kizuna centrosomal protein; plus strand), KIZ-AS1 (KIZ antisense RNA 1; minus strand). Cytogenetic location: 20p11.23.
Variant type: single nucleotide variant.
Coding change: c.1390C>T on transcript NM_018474.6 (MANE Select); coding-DNA position 1390, C replaced by T.
Protein change: p.Gln464Ter; replaces glutamine 464 with a stop codon.
Molecular consequence: nonsense.
Genome position (GRCh38, 1-based): chr20:21,205,528, C>T. VCF-style: chr20-21205528-C-T. GRCh37 (hg19) VCF-style: chr20-21186166-C-T.
Other names: c.1081C>T, p.Gln361Ter (NM_001163022.3, NM_001352435.2); c.991C>T, p.Gln331Ter (NM_001163023.3); c.1243C>T, p.Gln415Ter (NM_001276389.2); c.1390C>T, p.Gln464Ter (NM_001352434.2); c.1048C>T, p.Gln350Ter (NM_001352436.2); short protein forms Q415*, Q464*, Q331*, Q350*, Q361*.
Identifiers: ClinVar variation 2799651 (VCV002799651.3), dbSNP rs1457725246, ClinGen allele CA408489161.